The following is an entry in ClinVar:

NM_001134665.3(TRMT10A):c.517C>A (p.His173Asn)

Gene: TRMT10A (tRNA methyltransferase 10A; minus strand). Cytogenetic location: 4q23.
Variant type: single nucleotide variant.
Coding change: c.517C>A on transcript NM_001134665.3 (MANE Select); coding-DNA position 517, C replaced by A.
Protein change: p.His173Asn; replaces histidine 173 with asparagine.
Molecular consequence: missense variant.
Genome position (GRCh38, 1-based): chr4:99,553,913, G>T on the plus strand (C>A on the coding strand, the complement: TRMT10A is on the minus strand). VCF-style: chr4-99553913-G-T. GRCh37 (hg19) VCF-style: chr4-100475070-G-T.
Other names: c.517C>A, p.His173Asn (NM_001134666.3, NM_001375880.1, NM_001375881.1 and 2 more transcripts); short protein forms H173N.
Identifiers: ClinVar variation 2417046 (VCV002417046.3), dbSNP rs1035416394, ClinGen allele CA102653206.

ClinVar aggregate classification (germline): Uncertain significance (1 of 4 stars; one submission).

Allele frequency attached by ClinVar (database versions not stated): gnomAD 0.00002; TOPMed 0.00002.
gnomAD v4.1: 17 of 1,612,964 alleles (0.0011%); highest among the groups gnomAD compares: Admixed American, 0.005%; no homozygotes.

Submission:

Labcorp Genetics (formerly Invitae), Labcorp
Classification: Uncertain significance. Last evaluated: 2022-07-16. Review status: criteria provided, single submitter. Criteria: Invitae Variant Classification Sherloc (09022015). Collection method: clinical testing. Allele origin: germline.
Comment: This sequence change replaces histidine, which is basic and polar, with asparagine, which is neutral and polar, at codon 173 of the TRMT10A protein (p.His173Asn). This variant is present in population databases (no rsID available, gnomAD 0.002%). This variant has not been reported in the literature in individuals affected with TRMT10A-related conditions. Algorithms developed to predict the effect of missense changes on protein structure and function are either unavailable or do not agree on the potential impact of this missense change (SIFT: "Tolerated"; PolyPhen-2: "Possibly Damaging"; Align-GVGD: "Class C0"). In summary, the available evidence is currently insufficient to determine the role of this variant in disease. Therefore, it has been classified as a Variant of Uncertain Significance.